The following is an entry in ClinVar:

NM_020937.4(FANCM):c.601G>T (p.Gly201Ter)

Gene: FANCM (FA complementation group M; plus strand). Cytogenetic location: 14q21.2.
Variant type: single nucleotide variant.
Coding change: c.601G>T on transcript NM_020937.4 (MANE Select); coding-DNA position 601, G replaced by T.
Protein change: p.Gly201Ter; replaces glycine 201 with a stop codon.
Molecular consequence: nonsense.
Genome position (GRCh38, 1-based): chr14:45,137,161, G>T. VCF-style: chr14-45137161-G-T. GRCh37 (hg19) VCF-style: chr14-45606364-G-T.
Other names: c.601G>T, p.Gly201Ter (NM_001308133.2, NM_001308134.2); short protein forms G201*.
Identifiers: ClinVar variation 3729634 (VCV003729634.2).

ClinVar aggregate classification (germline): Pathogenic (1 of 4 stars; one submission).

Conditions:
Fanconi anemia (FA). Also called: Fanconi's anemia. Identifiers: Orphanet 84, MedGen C0015625, MeSH D005199, MONDO:0019391.

Submission:

Labcorp Genetics (formerly Invitae), Labcorp
Classification: Pathogenic for Fanconi anemia. Last evaluated: 2025-06-20. Review status: criteria provided, single submitter. Criteria: Invitae Variant Classification Sherloc (09022015). Collection method: clinical testing. Allele origin: germline.
Comment: This sequence change creates a premature translational stop signal (p.Gly201*) in the FANCM gene. It is expected to result in an absent or disrupted protein product. Loss-of-function variants in FANCM are known to be pathogenic (PMID: 29895858, 30075111). This variant is not present in population databases (gnomAD no frequency). This variant has not been reported in the literature in individuals affected with FANCM-related conditions. ClinVar contains an entry for this variant (Variation ID: 3729634). Algorithms developed to predict the effect of sequence changes on RNA splicing suggest that this variant may disrupt the consensus splice site. For these reasons, this variant has been classified as Pathogenic.

Literature cited by the submitters: PubMed 29895858; PubMed 30075111.